The following is an entry in ClinVar:

ClinVar aggregate classification (germline): Uncertain significance (1 of 4 stars; one submission).

Submission:

GeneDx
Classification: Uncertain significance. Last evaluated: 2024-10-02. Review status: criteria provided, single submitter. Criteria: GeneDx Variant Classification Process June 2021. Collection method: clinical testing. Allele origin: germline.
Comment: Not observed at significant frequency in large population cohorts (gnomAD); In silico analysis indicates that this missense variant does not alter protein structure/function; Has not been previously published as pathogenic or benign to our knowledge

NM_138711.6(PPARG):c.1254G>C (p.Gln418His)

Gene: PPARG (peroxisome proliferator activated receptor gamma; plus strand). Cytogenetic location: 3p25.2.
Variant type: single nucleotide variant.
Coding change: c.1254G>C on transcript NM_138711.6 (MANE Select); coding-DNA position 1254, G replaced by C.
Protein change: p.Gln418His; replaces glutamine 418 with histidine.
Molecular consequence: missense variant. On other transcripts: 3 prime UTR variant (5).
Genome position (GRCh38, 1-based): chr3:12,433,971, G>C. VCF-style: chr3-12433971-G-C. GRCh37 (hg19) VCF-style: chr3-12475470-G-C.
Other names: c.*56G>C (NM_001330615.4, NM_001374261.3, NM_001374262.3 and 1 more transcripts); c.1254G>C, p.Gln418His (NM_001354666.3, NM_001354667.3, NM_001374263.2 and 3 more transcripts); c.627G>C, p.Gln209His (NM_001354669.2); c.*40G>C (NM_001374266.1); c.1344G>C, p.Gln448His (NM_015869.5); short protein forms Q209H, Q418H, Q448H.
Identifiers: ClinVar variation 2428840 (VCV002428840.4), dbSNP rs762895412, ClinGen allele CA351467639.
Genomic context (GRCh38, chr3:12,433,971, plus strand): 5'-GCTGAATGTGAAGCCCATTGAAGACATTCAAGACAACCTGCTACAAGCCCTGGAGCTCCA[G>C]CTGAAGCTGAACCACCCTGAGTCCTCACAGCTGTTTGCCAAGCTGCTCCAGAAAATGACA-3'
Protein context (NP_619725.3, residues 408-428): QDNLLQALEL[Gln418His]LKLNHPESSQ